The following is an entry in ClinVar:

ClinVar aggregate classification (germline): Uncertain significance. Review status: criteria provided, multiple submitters, no conflicts (2 of 4 stars). 2 submissions from 2 submitters: Uncertain significance (2). Last evaluated 2025-05-21.

Allele frequency attached by ClinVar (database versions not stated): TOPMed below 0.00001; ExAC 0.00001; gnomAD 0.00001; gnomAD exomes 0.00001.
gnomAD v4.1: 14 of 1,600,194 alleles (0.00087%); highest among the groups gnomAD compares: East Asian, 0.0022%; no homozygotes.

Submissions (2):

Ambry Genetics
Classification: Uncertain significance. Last evaluated: 2025-05-21. Review status: criteria provided, single submitter. Criteria: Ambry Variant Classification Scheme 2023. Collection method: clinical testing. Allele origin: germline.

Labcorp Genetics (formerly Invitae), Labcorp
Classification: Uncertain significance. Last evaluated: 2025-04-11. Review status: criteria provided, single submitter. Criteria: Invitae Variant Classification Sherloc (09022015). Collection method: clinical testing. Allele origin: germline.
Comment: This sequence change replaces glycine, which is neutral and non-polar, with arginine, which is basic and polar, at codon 671 of the SLC7A14 protein (p.Gly671Arg). This variant is present in population databases (rs766643044, gnomAD 0.002%). This variant has not been reported in the literature in individuals affected with SLC7A14-related conditions. ClinVar contains an entry for this variant (Variation ID: 1524756). An algorithm developed to predict the effect of missense changes on protein structure and function (PolyPhen-2) suggests that this variant is likely to be disruptive. In summary, the available evidence is currently insufficient to determine the role of this variant in disease. Therefore, it has been classified as a Variant of Uncertain Significance.

NM_020949.3(SLC7A14):c.2011G>C (p.Gly671Arg)

Genes: SLC7A14 (solute carrier family 7 member 14; minus strand), SLC7A14-AS1 (SLC7A14 antisense RNA 1; plus strand). Cytogenetic location: 3q26.2.
Variant type: single nucleotide variant.
Coding change: c.2011G>C on transcript NM_020949.3 (MANE Select); coding-DNA position 2011, G replaced by C.
Protein change: p.Gly671Arg; replaces glycine 671 with arginine.
Molecular consequence: missense variant. On other transcripts: non-coding transcript variant (3).
Genome position (GRCh38, 1-based): chr3:170,467,360, C>G on the plus strand (G>C on the coding strand, the complement: SLC7A14 is on the minus strand). VCF-style: chr3-170467360-C-G. GRCh37 (hg19) VCF-style: chr3-170185148-C-G.
Other names: c.2011G>C (NM_020949.2); short protein forms G671R.
Identifiers: ClinVar variation 1524756 (VCV001524756.9), dbSNP rs766643044, ClinGen allele CA2701525.